The following is an entry in ClinVar:

ClinVar aggregate classification (germline): Conflicting classifications of pathogenicity. Review status: criteria provided, conflicting classifications (1 of 4 stars). 7 submissions from 6 submitters: Uncertain significance (4); Benign (1); Likely benign (2). Last evaluated 2026-06-25.

Conditions:
Alzheimer disease 4 (AD4). Identifiers: Orphanet 1020, MedGen C1847200, MONDO:0011743, OMIM 606889.
PSEN2-related disorder. Also called: PSEN2-related condition.
Dilated cardiomyopathy 1V (CMD1V). Identifiers: Orphanet 154, MedGen C3150958, MONDO:0013373, OMIM 613697.

Allele frequency attached by ClinVar (database versions not stated): gnomAD 0.00003; ESP Exome Variant Server 0.00008; TOPMed 0.00015.

Submissions (7):

Women's Health and Genetics/Laboratory Corporation of America, LabCorp
Classification: Uncertain significance. Last evaluated: 2026-06-25. Review status: criteria provided, single submitter. Criteria: LabCorp Variant Classification Summary - May 2015. Collection method: clinical testing. Allele origin: germline.
Comment: Variant summary: PSEN2 c.415G>A (p.Val139Met) results in a conservative amino acid change in the encoded protein sequence. Algorithms developed to predict the effect of missense changes on protein structure and function are either unavailable or do not agree on the potential impact of this missense change. The variant allele was found at a frequency of 0.00012 in 251148 control chromosomes. This frequency is not significantly higher than estimated for disease-causing variants in PSEN2, allowing no conclusion about variant significance. c.415G>A has been observed in individuals affected with Alzheimer Disease 4 or Progressive supranuclear palsy (Bernardi_2008, EI Bitar_2019, Jiang_2019, Ng_2024). These reports do not provide unequivocal conclusions about association of the variant with Alzheimer Disease 4. To our knowledge, no experimental evidence demonstrating an impact on protein function has been reported. The following publications have been ascertained in the context of this evaluation (PMID: 18350357, 30636737, 32087291, 39149795, 30598257). ClinVar contains an entry for this variant (Variation ID: 448149). Based on the evidence outlined above, the variant was classified as uncertain significance.

PreventionGenetics, part of Exact Sciences
Classification: Uncertain significance for PSEN2-related condition. Last evaluated: 2026-04-15. Review status: criteria provided, single submitter. Criteria: ACMG Guidelines, 2015. Collection method: clinical testing. Allele origin: germline.
Comment: The PSEN2 c.415G>A variant is predicted to result in the amino acid substitution p.Val139Met. This variant has been reported in three patients with late onset Alzheimer’s Disease (Bernardi et al. 2008. PubMed ID: 18350357; El Bitar et al. 2019. PubMed ID: 30636737; Jayadev et al. 2010. PubMed ID: 20375137). In vitro studies showed the p.Val319Met variant did not increase Aβ levels and was not predicted to be pathogenic (Hsu et al. 2020. PubMed ID: 32087291). This variant is reported in 0.030% of alleles in individuals of East Asian descent in gnomAD. At this time, the clinical significance of this variant is uncertain due to the absence of conclusive functional and genetic evidence.

Labcorp Genetics (formerly Invitae), Labcorp
Classification: Uncertain significance for Alzheimer disease 4. Last evaluated: 2025-10-01. Review status: criteria provided, single submitter. Criteria: Invitae Variant Classification Sherloc (09022015). Collection method: clinical testing. Allele origin: germline.
Comment: This sequence change replaces valine, which is neutral and non-polar, with methionine, which is neutral and non-polar, at codon 139 of the PSEN2 protein (p.Val139Met). This variant is present in population databases (rs202178897, gnomAD 0.03%). This missense change has been observed in individual(s) with Alzheimer disease (PMID: 18350357, 30598257, 30636737). ClinVar contains an entry for this variant (Variation ID: 448149). Invitae Evidence Modeling of protein sequence and biophysical properties (such as structural, functional, and spatial information, amino acid conservation, physicochemical variation, residue mobility, and thermodynamic stability) indicates that this missense variant is not expected to disrupt PSEN2 protein function with a negative predictive value of 80%. Experimental studies have shown that this missense change does not substantially affect PSEN2 function (PMID: 32087291). In summary, the available evidence is currently insufficient to determine the role of this variant in disease. Therefore, it has been classified as a Variant of Uncertain Significance.

Athena Diagnostics
Classification: Likely benign. Last evaluated: 2018-03-31. Review status: criteria provided, single submitter. Criteria: Athena Diagnostics Criteria. Collection method: clinical testing. Allele origin: germline.

CeGaT Center for Human Genetics Tuebingen
Classification: Uncertain significance. Last evaluated: 2018-02-01. Review status: criteria provided, single submitter. Criteria: CeGaT Center For Human Genetics Tuebingen Variant Classification Criteria Version 2. Collection method: clinical testing. Allele origin: germline. Affected: yes. Observed: 1 variant allele.

Illumina Laboratory Services, Illumina
Classification: Likely benign for Dilated cardiomyopathy 1V. Last evaluated: 2017-08-08. Review status: criteria provided, single submitter. Criteria: ICSL Variant Classification Criteria 13 December 2019. Collection method: clinical testing. Allele origin: germline.
Comment: This variant was observed as part of a predisposition screen in an ostensibly healthy population. A literature search was performed for the gene, cDNA change, and amino acid change (where applicable). No publications were found based on this search. Allele frequency data from public databases allowed determination this variant is unlikely to cause disease. Therefore, this variant is classified as likely benign.

Illumina Laboratory Services, Illumina
Classification: Benign for Alzheimer disease 4. Last evaluated: 2017-08-08. Review status: criteria provided, single submitter. Criteria: ICSL Variant Classification Criteria 13 December 2019. Collection method: clinical testing. Allele origin: germline.
Comment: This variant was observed as part of a predisposition screen in an ostensibly healthy population. A literature search was performed for the gene, cDNA change, and amino acid change (where applicable). Publications were found based on this search. The evidence from the literature, in combination with allele frequency data from public databases where available, was sufficient to rule this variant out of causing disease. Therefore, this variant is classified as benign.

Literature cited by the submitters: PubMed 32087291 (cited by Women's Health and Genetics/Laboratory Corporation of America, LabCorp and Labcorp Genetics (formerly Invitae), Labcorp); PubMed 39149795 (cited by Women's Health and Genetics/Laboratory Corporation of America, LabCorp); PubMed 18350357 (cited by 4 submitters); PubMed 30636737 (cited by Women's Health and Genetics/Laboratory Corporation of America, LabCorp and Labcorp Genetics (formerly Invitae), Labcorp); PubMed 30598257 (cited by Women's Health and Genetics/Laboratory Corporation of America, LabCorp and Labcorp Genetics (formerly Invitae), Labcorp); PubMed 20375137 (cited by Illumina Laboratory Services, Illumina).

NM_000447.3(PSEN2):c.415G>A (p.Val139Met)

Gene: PSEN2 (presenilin 2; plus strand). Cytogenetic location: 1q42.13.
Variant type: single nucleotide variant.
Coding change: c.415G>A on transcript NM_000447.3 (MANE Select); coding-DNA position 415, G replaced by A.
Protein change: p.Val139Met; replaces valine 139 with methionine.
Molecular consequence: missense variant.
Genome position (GRCh38, 1-based): chr1:226,885,596, G>A. VCF-style: chr1-226885596-G-A. GRCh37 (hg19) VCF-style: chr1-227073297-G-A.
Other names: c.415G>A, p.Val139Met (NM_012486.3); short protein forms V139M.
Identifiers: ClinVar variation 448149 (VCV000448149.59), dbSNP rs202178897, ClinGen allele CA1424514.